The following is an entry in ClinVar:

ClinVar aggregate classification (germline): Conflicting classifications of pathogenicity. Review status: criteria provided, conflicting classifications (1 of 4 stars). 4 submissions from 4 submitters: Likely pathogenic (1); Uncertain significance (3). Last evaluated 2024-03-07.

Conditions:
FGFR1-related craniosynostosis syndrome.
Hypogonadotropic hypogonadism 2 with or without anosmia (HH2). Also called: HYPOGONADOTROPIC HYPOGONADISM 2 WITHOUT ANOSMIA; FGFR1-Related GnRH Deficiency (Kallmann Syndrome 2); HYPOGONADOTROPIC HYPOGONADISM 2 WITH OR WITHOUT ANOSMIA, SUSCEPTIBILITY TO; HYPOGONADOTROPIC HYPOGONADISM 2 WITHOUT ANOSMIA, SUSCEPTIBILITY TO. Identifiers: Orphanet 478, MedGen C1563720, MONDO:0007844, OMIM 147950. Disease mechanism: loss of function.
Pfeiffer syndrome (ACS5). Also called: ACS V. Identifiers: Orphanet 710, MedGen C0220658, MONDO:0007043, OMIM 101600.

Allele frequency attached by ClinVar (database versions not stated): gnomAD exomes below 0.00001.
gnomAD v4.1: 2 of 1,613,822 alleles (0.00012%); highest among the groups gnomAD compares: East Asian, 0.0022%; no homozygotes.

Submissions (4):

Labcorp Genetics (formerly Invitae), Labcorp
Classification: Uncertain significance for Pfeiffer syndrome; Hypogonadotropic hypogonadism 2 with or without anosmia. Last evaluated: 2024-03-07. Review status: criteria provided, single submitter. Criteria: Invitae Variant Classification Sherloc (09022015). Collection method: clinical testing. Allele origin: germline.
Comment: This sequence change replaces arginine, which is basic and polar, with glutamine, which is neutral and polar, at codon 661 of the FGFR1 protein (p.Arg661Gln). This variant is not present in population databases (gnomAD no frequency). This variant has not been reported in the literature in individuals affected with FGFR1-related conditions. ClinVar contains an entry for this variant (Variation ID: 1308126). Advanced modeling of protein sequence and biophysical properties (such as structural, functional, and spatial information, amino acid conservation, physicochemical variation, residue mobility, and thermodynamic stability) has been performed at Invitae for this missense variant, however the output from this modeling did not meet the statistical confidence thresholds required to predict the impact of this variant on FGFR1 protein function. In summary, the available evidence is currently insufficient to determine the role of this variant in disease. Therefore, it has been classified as a Variant of Uncertain Significance.

Reproductive Endocrine Unit, Massachusetts General Hospital
Classification: Likely pathogenic for Hypogonadotropic hypogonadism 2 with or without anosmia. Last evaluated: 2023-05-04. Review status: criteria provided, single submitter. Criteria: ACMG Guidelines, 2015. Collection method: research. Allele origin: de novo. Affected: yes. Observed: 1 variant allele.

GeneDx
Classification: Uncertain significance. Last evaluated: 2023-04-14. Review status: criteria provided, single submitter. Criteria: GeneDx Variant Classification Process June 2021. Collection method: clinical testing. Allele origin: germline. Affected: yes.
Comment: Not observed at significant frequency in large population cohorts (gnomAD); In silico analysis, which includes protein predictors and evolutionary conservation, supports a deleterious effect; Has not been previously published as a pathogenic or benign germline variant to our knowledge

Illumina Laboratory Services, Illumina
Classification: Uncertain significance for FGFR1-related craniosynostosis syndrome. Last evaluated: 2021-06-18. Review status: criteria provided, single submitter. Criteria: ICSLVariantClassificationCriteria RUGD 01 April 2020. Collection method: clinical testing. Allele origin: unknown.
Comment: The FGFR1 c.1982G>A (p.Arg661Gln) variant is a missense variant. A literature search was performed for the gene, cDNA change, and amino acid change. No informative publications were found based on this search. This variant is not found in version 2.1.1 or version 3.1.1 of the Genome Aggregation Database despite its location in a region of good sequencing coverage, which suggests the variant is rare. Multiple in-silico variant effect predictor algorithms indicate a deleterious impact for this variant, though these predictions have not been experimentally confirmed. Based on the available evidence, the p.Arg661Gln variant is classified as a variant of uncertain significance for FGFR1-related craniosynostosis syndrome.

NM_023110.3(FGFR1):c.1982G>A (p.Arg661Gln)

Gene: FGFR1 (fibroblast growth factor receptor 1; minus strand). Cytogenetic location: 8p11.23.
Variant type: single nucleotide variant.
Coding change: c.1982G>A on transcript NM_023110.3 (MANE Select); coding-DNA position 1982, G replaced by A.
Protein change: p.Arg661Gln; replaces arginine 661 with glutamine.
Molecular consequence: missense variant.
Genome position (GRCh38, 1-based): chr8:38,414,625, C>T on the plus strand (G>A on the coding strand, the complement: FGFR1 is on the minus strand). VCF-style: chr8-38414625-C-T. GRCh37 (hg19) VCF-style: chr8-38272143-C-T.
Other names: c.1976G>A, p.Arg659Gln (NM_001174063.2, NM_001174065.2, NM_001354367.2 and 1 more transcripts); c.1952G>A, p.Arg651Gln (NM_001174064.2); c.1715G>A, p.Arg572Gln (NM_001174066.2, NM_023105.3); c.2075G>A, p.Arg692Gln (NM_001174067.2); c.1703G>A, p.Arg568Gln (NM_001354368.2); c.1970G>A, p.Arg657Gln (NM_001354369.2); c.1709G>A, p.Arg570Gln (NM_001354370.2, NM_023106.3); short protein forms R568Q, R570Q, R572Q, R651Q, R657Q, R659Q, R661Q, R692Q.
Identifiers: ClinVar variation 1308126 (VCV001308126.9), dbSNP rs1257312391, ClinGen allele CA370729808.